The following is an entry in ClinVar:

NM_014425.5(INVS):c.1128A>T (p.Leu376Phe)

Gene: INVS (inversin; plus strand). Cytogenetic location: 9q31.1.
Variant type: single nucleotide variant.
Coding change: c.1128A>T on transcript NM_014425.5 (MANE Select); coding-DNA position 1128, A replaced by T.
Protein change: p.Leu376Phe; replaces leucine 376 with phenylalanine.
Molecular consequence: missense variant. On other transcripts: non-coding transcript variant (1).
Genome position (GRCh38, 1-based): chr9:100,252,332, A>T. VCF-style: chr9-100252332-A-T. GRCh37 (hg19) VCF-style: chr9-103014614-A-T.
Other names: c.840A>T, p.Leu280Phe (NM_001318381.2); c.150A>T, p.Leu50Phe (NM_001318382.2); short protein forms L376F, L50F, L280F.
Identifiers: ClinVar variation 1349948 (VCV001349948.6), dbSNP rs2118559115, ClinGen allele CA374364350.

ClinVar aggregate classification (germline): Uncertain significance (1 of 4 stars; one submission).

Conditions:
Nephronophthisis. Also called: Juvenile Nephronophthisis. Identifiers: Orphanet 655, MedGen C0687120, MONDO:0019005, HP:0000090.

Submission:

Labcorp Genetics (formerly Invitae), Labcorp
Classification: Uncertain significance for Nephronophthisis. Last evaluated: 2022-04-10. Review status: criteria provided, single submitter. Criteria: Invitae Variant Classification Sherloc (09022015). Collection method: clinical testing. Allele origin: germline.
Comment: In summary, the available evidence is currently insufficient to determine the role of this variant in disease. Therefore, it has been classified as a Variant of Uncertain Significance. Algorithms developed to predict the effect of missense changes on protein structure and function are either unavailable or do not agree on the potential impact of this missense change (SIFT: "Deleterious"; PolyPhen-2: "Probably Damaging"; Align-GVGD: "Class C15"). This variant has not been reported in the literature in individuals affected with INVS-related conditions. This variant is not present in population databases (gnomAD no frequency). This sequence change replaces leucine, which is neutral and non-polar, with phenylalanine, which is neutral and non-polar, at codon 376 of the INVS protein (p.Leu376Phe).